The following is an entry in ClinVar:

NM_001305581.2(LRMDA):c.259-3C>G

Gene: LRMDA (leucine rich melanocyte differentiation associated; plus strand). Cytogenetic location: 10q22.3.
Variant type: single nucleotide variant.
Coding change: c.259-3C>G on transcript NM_001305581.2 (MANE Select); 3 bases into the intron before coding-DNA position 259, C replaced by G.
Molecular consequence: intron variant.
Genome position (GRCh38, 1-based): chr10:76,047,161, C>G. VCF-style: chr10-76047161-C-G. GRCh37 (hg19) VCF-style: chr10-77806919-C-G.
Other names: c.175-3C>G (NM_032024.5).
Identifiers: ClinVar variation 2045673 (VCV002045673.4), dbSNP rs1357016278, ClinGen allele CA668489914.

ClinVar aggregate classification (germline): Uncertain significance (1 of 4 stars; one submission).

Allele frequency attached by ClinVar (database versions not stated): gnomAD exomes below 0.00001; TOPMed below 0.00001; gnomAD 0.00001.
gnomAD v4.1: 2 of 1,613,792 alleles (0.00012%); highest among the groups gnomAD compares: African/African-American, 0.0013%; no homozygotes.

Submission:

Labcorp Genetics (formerly Invitae), Labcorp
Classification: Uncertain significance. Last evaluated: 2021-12-24. Review status: criteria provided, single submitter. Criteria: Invitae Variant Classification Sherloc (09022015). Collection method: clinical testing. Allele origin: germline.
Comment: This variant has not been reported in the literature in individuals affected with C10orf11-related conditions. Variants that disrupt the consensus splice site are a relatively common cause of aberrant splicing (PMID: 17576681, 9536098). Algorithms developed to predict the effect of sequence changes on RNA splicing suggest that this variant is not likely to affect RNA splicing. This sequence change falls in intron 2 of the C10orf11 gene. It does not directly change the encoded amino acid sequence of the C10orf11 protein. It affects a nucleotide within the consensus splice site. This variant is not present in population databases (gnomAD no frequency). In summary, the available evidence is currently insufficient to determine the role of this variant in disease. Therefore, it has been classified as a Variant of Uncertain Significance.

Literature cited by the submitters: PubMed 17576681; PubMed 9536098.